The following is an entry in ClinVar:

NM_000256.3(MYBPC3):c.3754G>A (p.Val1252Ile)

Gene: MYBPC3 (myosin binding protein C3; minus strand). Cytogenetic location: 11p11.2.
Variant type: single nucleotide variant.
Coding change: c.3754G>A on transcript NM_000256.3 (MANE Select); coding-DNA position 3754, G replaced by A.
Protein change: p.Val1252Ile; replaces valine 1252 with isoleucine.
Molecular consequence: missense variant.
Genome position (GRCh38, 1-based): chr11:47,332,132, C>T on the plus strand (G>A on the coding strand, the complement: MYBPC3 is on the minus strand). VCF-style: chr11-47332132-C-T. GRCh37 (hg19) VCF-style: chr11-47353683-C-T.
Other names: short protein forms V1252I.
Identifiers: ClinVar variation 2625334 (VCV002625334.4), dbSNP rs2094620865, ClinGen allele CA380310866.

ClinVar aggregate classification (germline): Conflicting classifications of pathogenicity. Review status: criteria provided, conflicting classifications (1 of 4 stars). 3 submissions from 3 submitters: Uncertain significance (2); Likely benign (1). Last evaluated 2025-10-07.

Conditions:
Cardiovascular phenotype. Identifiers: MedGen CN230736.
Cardiomyopathy (CMYO). Also called: Cardiomyopathies. Identifiers: Orphanet 167848, MedGen C0878544, MONDO:0004994, HP:0001638. Inheritance: Various modes of inheritance.
Hypertrophic cardiomyopathy. Also called: HYPERTROPHIC MYOCARDIOPATHY. Identifiers: Orphanet 217569, MedGen C0007194, MeSH D002312, MONDO:0005045, HP:0001639.

Allele frequency attached by ClinVar (database versions not stated): TOPMed below 0.00001; gnomAD exomes below 0.00001.
gnomAD v4.1: 1 of 1,613,698 alleles (0.000062%); highest among the groups gnomAD compares: Non-Finnish European, 0.000085%; no homozygotes.

Submissions (3):

Color Diagnostics, LLC DBA Color Health
Classification: Likely benign for Cardiomyopathy. Last evaluated: 2025-10-07. Review status: criteria provided, single submitter. Criteria: ACMG Guidelines, 2015. Collection method: clinical testing. Allele origin: germline.

Ambry Genetics
Classification: Uncertain significance for Cardiovascular phenotype. Last evaluated: 2023-07-27. Review status: criteria provided, single submitter. Criteria: Ambry Variant Classification Scheme 2023. Collection method: clinical testing. Allele origin: germline.
Comment: The p.V1252I variant (also known as c.3754G>A), located in coding exon 33 of the MYBPC3 gene, results from a G to A substitution at nucleotide position 3754. The valine at codon 1252 is replaced by isoleucine, an amino acid with highly similar properties. This amino acid position is conserved. In addition, this alteration is predicted to be tolerated by in silico analysis. Since supporting evidence is limited at this time, the clinical significance of this alteration remains unclear.

All of Us Research Program, National Institutes of Health
Classification: Uncertain significance for Hypertrophic cardiomyopathy. Last evaluated: 2023-03-09. Review status: criteria provided, single submitter. Criteria: ACMG Guidelines, 2015. Collection method: clinical testing. Allele origin: germline. Inheritance: Autosomal dominant inheritance. Observed: 1 variant allele, 1 heterozygote.
Comment: This missense variant replaces valine with isoleucine at codon 1252 of the MYBPC3 protein. Computational prediction suggests that this variant may not impact protein structure and function (internally defined REVEL score threshold <= 0.5, PMID: 27666373). To our knowledge, functional studies have not been reported for this variant. This variant has not been reported in individuals affected with MYBPC3-related disorders in the literature. This variant has not been identified in the general population by the Genome Aggregation Database (gnomAD). The available evidence is insufficient to determine the role of this variant in disease conclusively. Therefore, this variant is classified as a Variant of Uncertain Significance.

This study involves interpretation of variants in research participants for the purpose of population health screening. Participant phenotype was not available at the time of variant classification. Additional details can be found in publication PMID: 35346344, PMCID: PMC8962531